The following is an entry in ClinVar:

NM_000038.6(APC):c.1914A>G (p.Ile638Met)

Gene: APC (APC regulator of Wnt signaling pathway; plus strand). Cytogenetic location: 5q22.2.
Variant type: single nucleotide variant.
Coding change: c.1914A>G on transcript NM_000038.6 (MANE Select); coding-DNA position 1914, A replaced by G.
Protein change: p.Ile638Met; replaces isoleucine 638 with methionine.
Molecular consequence: missense variant.
Genome position (GRCh38, 1-based): chr5:112,835,121, A>G. VCF-style: chr5-112835121-A-G. GRCh37 (hg19) VCF-style: chr5-112170818-A-G.
Other names: c.1914A>G, p.Ile638Met (NM_001127510.3, NM_001354895.2); c.1860A>G, p.Ile620Met (NM_001127511.3); c.1968A>G, p.Ile656Met (NM_001354896.2); c.1944A>G, p.Ile648Met (NM_001354897.2); c.1839A>G, p.Ile613Met (NM_001354898.2); c.1830A>G, p.Ile610Met (NM_001354899.2); c.1791A>G, p.Ile597Met (NM_001354900.2); c.1737A>G, p.Ile579Met (NM_001354901.2); and 5 more; short protein forms I620M, I638M, I579M, I597M, I656M, I537M, I610M, I613M.
Identifiers: ClinVar variation 140969 (VCV000140969.18), dbSNP rs587781405, ClinGen allele CA006359.

ClinVar aggregate classification (germline): Uncertain significance. Review status: criteria provided, multiple submitters, no conflicts (2 of 4 stars). 4 submissions from 4 submitters: Uncertain significance (4). Last evaluated 2024-05-30.

Conditions:
Classic or attenuated familial adenomatous polyposis. Identifiers: MedGen CN372698, MONDO:0021057.
Hereditary cancer-predisposing syndrome. Also called: Neoplastic Syndromes, Hereditary; Tumor predisposition; Hereditary Cancer Syndrome; Hereditary neoplastic syndrome. Identifiers: Orphanet 140162, MedGen C0027672, MeSH D009386, MONDO:0015356.
Familial adenomatous polyposis 1 (FAP1). Also called: FAMILIAL ADENOMATOUS POLYPOSIS 1, ATTENUATED; POLYPOSIS, ADENOMATOUS INTESTINAL. Identifiers: MedGen C2713442, MONDO:0021056, OMIM 175100. Disease mechanism: loss of function.

Allele frequency attached by ClinVar (database versions not stated): gnomAD exomes below 0.00001.
gnomAD v4.1: 4 of 1,614,154 alleles (0.00025%); highest among the groups gnomAD compares: South Asian, 0.0011%; no homozygotes.

Submissions (4):

All of Us Research Program, National Institutes of Health
Classification: Uncertain significance for Classic or attenuated familial adenomatous polyposis. Last evaluated: 2024-05-30. Review status: criteria provided, single submitter. Criteria: ACMG Guidelines, 2015. Collection method: clinical testing. Allele origin: germline. Inheritance: Autosomal dominant inheritance. Observed: 1 variant allele, 1 heterozygote.
Comment: This missense variant replaces isoleucine with methionine at codon 638 of the APC protein. Computational prediction is inconclusive regarding the impact of this variant on protein structure and function (internally defined REVEL score threshold 0.5 < inconclusive < 0.7, PMID: 27666373). To our knowledge, functional studies have not been reported for this variant. This variant has not been reported in individuals affected with APC-related disorders in the literature. This variant has been identified in 1/251278 chromosomes in the general population by the Genome Aggregation Database (gnomAD). The available evidence is insufficient to determine the role of this variant in disease conclusively. Therefore, this variant is classified as a Variant of Uncertain Significance.

This study involves interpretation of variants in research participants for the purpose of population health screening. Participant phenotype was not available at the time of variant classification. Additional details can be found in publication PMID: 35346344, PMCID: PMC8962531

Color Diagnostics, LLC DBA Color Health
Classification: Uncertain significance for Hereditary cancer-predisposing syndrome. Last evaluated: 2024-04-30. Review status: criteria provided, single submitter. Criteria: ACMG Guidelines, 2015. Collection method: clinical testing. Allele origin: germline.
Comment: This missense variant replaces isoleucine with methionine at codon 638 of the APC protein. Computational prediction is inconclusive regarding the impact of this variant on protein structure and function (internally defined REVEL score threshold 0.5 < inconclusive < 0.7, PMID: 27666373). To our knowledge, functional studies have not been reported for this variant. This variant has not been reported in individuals affected with APC-related disorders in the literature. This variant has been identified in 1/251278 chromosomes in the general population by the Genome Aggregation Database (gnomAD). The available evidence is insufficient to determine the role of this variant in disease conclusively. Therefore, this variant is classified as a Variant of Uncertain Significance.

Ambry Genetics
Classification: Uncertain significance for Hereditary cancer-predisposing syndrome. Last evaluated: 2020-01-23. Review status: criteria provided, single submitter. Criteria: Ambry Variant Classification Scheme 2023. Collection method: clinical testing. Allele origin: germline.
Comment: The p.I638M variant (also known as c.1914A>G), located in coding exon 14 of the APC gene, results from an A to G substitution at nucleotide position 1914. The isoleucine at codon 638 is replaced by methionine, an amino acid with highly similar properties. This amino acid position is highly conserved in available vertebrate species. In addition, in silico predictors for this gene do not accurately predict pathogenicity. Since supporting evidence is limited at this time, the clinical significance of this alteration remains unclear.

Labcorp Genetics (formerly Invitae), Labcorp
Classification: Uncertain significance for Familial adenomatous polyposis 1. Last evaluated: 2018-02-21. Review status: criteria provided, single submitter. Criteria: Invitae Variant Classification Sherloc (09022015). Collection method: clinical testing. Allele origin: germline.
Comment: This variant is not present in population databases (ExAC no frequency). In summary, the available evidence is currently insufficient to determine the role of this variant in disease. Therefore, it has been classified as a Variant of Uncertain Significance. Algorithms developed to predict the effect of missense changes on protein structure and function do not agree on the potential impact of this missense change (SIFT: "Deleterious"; PolyPhen-2: "Probably Damaging"; Align-GVGD: "Class C0"). This variant has not been reported in the literature in individuals with APC-related disease. ClinVar contains an entry for this variant (Variation ID: 140969). This sequence change replaces isoleucine with methionine at codon 638 of the APC protein (p.Ile638Met). The isoleucine residue is highly conserved and there is a small physicochemical difference between isoleucine and methionine.